The following is an entry in ClinVar:

NM_000717.5(CA4):c.40C>T (p.Arg14Trp)

Gene: CA4 (carbonic anhydrase 4; plus strand). Cytogenetic location: 17q23.1.
Variant type: single nucleotide variant.
Coding change: c.40C>T on transcript NM_000717.5 (MANE Select); coding-DNA position 40, C replaced by T.
Protein change: p.Arg14Trp; replaces arginine 14 with tryptophan.
Molecular consequence: missense variant. On other transcripts: non-coding transcript variant (1).
Genome position (GRCh38, 1-based): chr17:60,150,074, C>T. VCF-style: chr17-60150074-C-T. GRCh37 (hg19) VCF-style: chr17-58227435-C-T.
Other names: short protein forms R14W.
Identifiers: ClinVar variation 17607 (VCV000017607.17), dbSNP rs104894559, ClinGen allele CA258044.

ClinVar aggregate classification (germline): Conflicting classifications of pathogenicity. Review status: criteria provided, conflicting classifications (1 of 4 stars). 5 submissions from 5 submitters: Pathogenic (1); Uncertain significance (3). 1 of the submissions does not count toward it. Last evaluated 2026-01-18.

Conditions:
CA4-related disorder. Also called: CA4-related condition.
Retinitis pigmentosa (RP). Identifiers: Orphanet 791, MedGen C0035334, MeSH D012174, MONDO:0019200, OMIM 268000. Inheritance: Autosomal dominant, autosomal recessive and X linked inheritance.
Retinitis pigmentosa 17 (RP17). Identifiers: Orphanet 791, MedGen C1833245, MONDO:0010945, OMIM 600852.

Allele frequency attached by ClinVar (database versions not stated): TOPMed 0.00008; gnomAD 0.00014; 1000 Genomes Project 30x 0.00016; gnomAD exomes 0.00016 and 0.00025; ExAC 0.00044.
gnomAD v4.1: 267 of 1,599,366 alleles (0.017%); highest among the groups gnomAD compares: Non-Finnish European, 0.018%; no homozygotes.

Submissions (5):

Labcorp Genetics (formerly Invitae), Labcorp
Classification: Uncertain significance. Last evaluated: 2026-01-18. Review status: criteria provided, single submitter. Criteria: Invitae Variant Classification Sherloc (09022015). Collection method: clinical testing. Allele origin: germline.
Comment: This sequence change replaces arginine, which is basic and polar, with tryptophan, which is neutral and slightly polar, at codon 14 of the CA4 protein (p.Arg14Trp). This variant is present in population databases (rs104894559, gnomAD 0.08%), and has an allele count higher than expected for a pathogenic variant. This missense change has been observed in individual(s) with retinitis pigmentosa (PMID: 15090652, 15563508). ClinVar contains an entry for this variant (Variation ID: 17607). An algorithm developed to predict the effect of missense changes on protein structure and function (PolyPhen-2) suggests that this variant is likely to be disruptive. Experimental studies have shown that this missense change affects CA4 function (PMID: 15090652, 15295099, 15563508, 20626030). In summary, the available evidence is currently insufficient to determine the role of this variant in disease. Therefore, it has been classified as a Variant of Uncertain Significance.

PreventionGenetics, part of Exact Sciences
Classification: Uncertain significance for CA4-related condition. Last evaluated: 2025-02-13. Review status: criteria provided, single submitter. Criteria: ACMG Guidelines, 2015. Collection method: clinical testing. Allele origin: germline.
Comment: The CA4 c.40C>T variant is predicted to result in the amino acid substitution p.Arg14Trp. This variant has been reported in three unrelated families with autosomal dominant retinitis pigmentosa (Rebello et al. 2004. PubMed ID: 15090652; Yang et al. 2005. PubMed ID: 15563508). In one family the variant segregated with disease in 13 affected individuals across three generations (Yang et al. 2005. PubMed ID: 15563508). However, this variant is present in 0.081% of alleles in individuals of European (Finnish) descent in gnomAD, which is more common than expected for a variant associated with autosomal dominant disease. Indeed a more recent report has shown that the same large family which showed segregation with this CA4 variant also harbored a complex structural variant on the same chromosome (Chr17); and structural variants in this same locus were found in several other kindreds with retinal disease (de Bruijn et al. 2020. PubMed ID: 33022222). This same publication demonstrated that the complex structural variant on chromosome 17 causes changes in the three-dimensional chromatin organization in the nucleus, thereby leading to ectopic interactions with the enhancer regions of retinal disease-associated genes, causing a gain of function which is consistent with the autosomal dominant inheritance patterns. Subsequent literature from this same research group has found more families with structural variants in this region, further arguing that this relatively common variant in CA4 is not the cause of disease (de Bruijn et al. 2024. PubMed ID: 39507620). Given all the evidence, we interpret the c.40C>T (p.Arg14Trp) variant as uncertain given the conflicting genetic evidence.

Blueprint Genetics
Classification: Uncertain significance. Last evaluated: 2024-07-11. Review status: criteria provided, single submitter. Criteria: ACMG Guidelines, 2015. Collection method: clinical testing. Allele origin: germline.

Illumina Laboratory Services, Illumina
Classification: Pathogenic for Retinitis pigmentosa. Last evaluated: 2018-05-07. Review status: criteria provided, single submitter. Criteria: ICSL Variant Classification Criteria 09 May 2019. Collection method: clinical testing. Allele origin: germline.
Comment: The CA4 c.40C>T (p.Arg14Trp) variant has been reported in at least 37 individuals from three large families with autosomal dominant retinitis pigmentosa. The variant was shown to segregate with disease in at least two of these families (Rebello et al. 2004; Yang et al. 2005). The p.Arg14Trp variant was absent from 36 unaffected family members and 1200 control chromosomes (Rebello et al. 2004; Yang et al. 2005), but is reported at a frequency of 0.00072 in the European (non-Finnish) population of the Exome Aggregation Consortium. Rebello et al. (2004) showed a reduction of CA4 secretion in transfected COS-7 cells carrying the p.Arg14Trp variant, but secretion was comparable to wildtype in a second study that used transfected HEK293 cells (Yang et al. 2005). However, Yang et al. (2005) showed that the p.Arg14Trp variant decreased binding of the CA4 protein to NBC1, thereby disrupting NBC1-mediated recovery of intracellular pH after acid-load. Based on the collective evidence, the p.Arg14Trp variant is classified as pathogenic for autosomal dominant retinitis pigmentosa. This variant was observed by ICSL as part of a predisposition screen in an ostensibly healthy population.

OMIM
Classification: Uncertain significance for RECLASSIFIED - VARIANT OF UNKNOWN SIGNIFICANCE. Last evaluated: 2005-01-15. Review status: no assertion criteria provided. Collection method: literature only. Allele origin: germline. Not counted in ClinVar's aggregate classification.

Literature cited by the submitters: PubMed 15090652 (cited by 3 submitters); PubMed 15563508 (cited by 3 submitters); PubMed 15295099 (cited by Labcorp Genetics (formerly Invitae), Labcorp); PubMed 20626030 (cited by Labcorp Genetics (formerly Invitae), Labcorp); PubMed 33022222 (cited by OMIM); PubMed 7581389 (cited by OMIM); PubMed 9385361 (cited by OMIM); PubMed 20238024 (cited by OMIM).